The following is an entry in ClinVar:

NM_000350.3(ABCA4):c.5461-10T>C

Gene: ABCA4 (ATP binding cassette subfamily A member 4; minus strand). Cytogenetic location: 1p22.1.
Variant type: single nucleotide variant.
Coding change: c.5461-10T>C on transcript NM_000350.3 (MANE Select); 10 bases into the intron before coding-DNA position 5461, T replaced by C.
Molecular consequence: intron variant.
Genome position (GRCh38, 1-based): chr1:94,011,395, A>G on the plus strand (T>C on the coding strand, the complement: ABCA4 is on the minus strand). VCF-style: chr1-94011395-A-G. GRCh37 (hg19) VCF-style: chr1-94476951-A-G.
Other names: NP_000341.2:p.?; IVS39AS, T-C, -10.
Identifiers: ClinVar variation 92870 (VCV000092870.120), dbSNP rs1800728, ClinGen allele CA220687.

ClinVar aggregate classification (germline): Pathogenic. Review status: reviewed by expert panel (3 of 4 stars). 45 submissions from 37 submitters: Pathogenic (1). 44 of the submissions do not count toward it. Last evaluated 2026-04-28.

Conditions:
ABCA4-related retinopathy. Also called: ABCA4-related retinoapthy; ABCA4 retinoapthy. Identifiers: MedGen CN322612, MONDO:0800406.
Severe early-childhood-onset retinal dystrophy (STGD1). Also called: Stargardt macular dystrophy; Juvenile onset macular degeneration; Stargardt disease 1; MACULAR DYSTROPHY WITH FLECKS, TYPE 1; STGD. Identifiers: Orphanet 364055, Orphanet 827, MedGen C1855465, MeSH D000080362, MONDO:0009549, OMIM 248200.
Cone-rod dystrophy 3 (CORD3). Identifiers: Orphanet 1872, MedGen C1858806, MONDO:0011395, OMIM 604116.
Retinitis pigmentosa 19 (RP19). Also called: ABCA4-Related Retinitis Pigmentosa. Identifiers: Orphanet 791, MedGen C1866422, MONDO:0011137, OMIM 601718.
Retinal dystrophy. Also called: Inherited retinal dystrophy. Identifiers: Orphanet 71862, MedGen C0854723, MeSH D058499, MONDO:0019118, HP:0000556.
Macular dystrophy. Identifiers: MedGen C0730292, HP:0007754.
ABCA4-related disorder. Also called: ABCA4-related disorders; ABCA4-related condition. Identifiers: MedGen CN239167.
Inborn genetic diseases. Identifiers: MedGen C0950123, MeSH D030342.
Benign concentric annular macular dystrophy. Identifiers: Orphanet 251287, MedGen C5561925, MONDO:0007934, OMIM 153870.
Age related macular degeneration 2. Also called: MACULOPATHY, AGE-RELATED; MACULAR DEGENERATION, SENILE; MACULOPATHY, AGE-RELATED, 2. Identifiers: MedGen C3495438, MONDO:0007932, OMIM 153800.
Retinitis pigmentosa (RP). Identifiers: Orphanet 791, MedGen C0035334, MeSH D012174, MONDO:0019200, OMIM 268000. Inheritance: Autosomal dominant, autosomal recessive and X linked inheritance.
Stargardt disease (FFM). Also called: Stargardt's disease; Fundus flavimaculatus. Identifiers: Orphanet 827, MedGen C0271093, MONDO:0019353.
Retinal disorder. Also called: Retinal disorders; Retinopathy; Retinopathies; Retinal Diseases. Identifiers: MedGen C0035309, MONDO:0005283, HP:0000488.

Allele frequency attached by ClinVar (database versions not stated): gnomAD exomes 0.00023 and 0.00057; gnomAD 0.00029 and 0.00031; ESP Exome Variant Server 0.00023; TOPMed 0.00025; ExAC 0.00022.
gnomAD v4.1: 863 of 1,613,338 alleles (0.053%); highest among the groups gnomAD compares: Non-Finnish European, 0.071%; 1 homozygote.

Submissions 1 to 8 of 46:

ClinGen ABCA4 Variant Curation Expert Panel, Clingen
Classification: Pathogenic for ABCA4-related retinopathy. Last evaluated: 2026-04-28. Review status: reviewed by expert panel. Criteria: ClinGen ABCA4 ACMG Specifications V1.0.0. Collection method: curation. Allele origin: germline. Inheritance: Autosomal recessive inheritance.
Comment: The NM_000350.3:c.5461-10T>C variant is proven to alter protein length by skipping exons 39-40, as shown by minigene/patient mRNA analyses meeting PVS1_RNA_Strong (PMIDs:26976702, 27775217). The prevalence of the variant in affected individuals is significantly increased compared with the prevalence in controls with an OR of 144.1 and CI is 105.22 to 201.62, which is above the ABCA4 VCEP threshold of >5, where the CI does not contain 1 (PS4; PMID: 35120629). At least one patient with this variant displayed presence of at least two ABCA4 variants, onset under 18 years of age, macular flecks on imaging, with NGS panel testing for over 100 genes with no alternative cause, chorioretinal atrophy in macula, RPE atrophy, pigmentary retinopathy with attenuated vessels, decreased central visual acuity, reduced photopic and scotopic response, which is highly specific for ABCA4-related retinopathy (PP4, PMID:31766579). This variant has been detected in many individuals with ABCA4-related retinopathy. Of the 16 individuals counted towards this code, 11 were compound heterozygous for the variant and a pathogenic or likely pathogenic variant not confirmed in trans and 5 individuals were homozygous for the variant (ClinVarID:99505, ClinVarID:7888, ClinVarID:99292, PMID:26976702, PMID:31766579 (6 points; PM3_VeryStrong). In summary, this variant meets the criteria to be classified as pathogenic for ABCA4-related retinopathy. ACMG/AMP criteria applied, as specified by the ClinGen ABCA4 VCEP (Specification Version 1.0.0): PVS1_RNA_Strong, PP4, PS4, PM3_VeryStrong.

Genetics Laboratory, Great Ormond Street Hospital NHS Foundation Trust, North Thames Genomic Laboratory Hub
Classification: Pathogenic for Retinal disorders. Last evaluated: 2026-06-16. Review status: criteria provided, single submitter. Criteria: ACGS Best Practice Guidelines for Variant Classification in Rare Disease 2024 v1.2. Collection method: clinical testing. Allele origin: germline. Affected: yes. Not counted in ClinVar's aggregate classification.
Comment: PVS1_strong, PP1_strong, PM3_strong

PreventionGenetics, part of Exact Sciences
Classification: Pathogenic for ABCA4-related condition. Last evaluated: 2026-06-15. Review status: criteria provided, single submitter. Criteria: ACMG Guidelines, 2015. Collection method: clinical testing. Allele origin: germline. Not counted in ClinVar's aggregate classification.
Comment: The ABCA4 c.5461-10T>C variant is predicted to interfere with splicing. This intronic variant is also known as IVS38-10T>C and has been frequently reported in both the homozygous and compound heterozygous states in patients with retinal disease (see for examples Rivera et al. 2000. PubMed ID: 10958763; Roberts et al. 2012. PubMed ID: 22328824; Heathfield et al. 2013. PubMed ID: 23695285). A functional study using a mini-gene assay revealed that this variant causes exon skipping and results in truncated ABCA4 protein (Sangermano et al. 2016. PubMed ID: 26976702, Figure 4). This variant is commonly found in cis (on the same gene copy) as the common ABCA4 risk variant defined as c.5603A>T (p.Asn1868Ile) (Lin et al. 2024. PubMed ID: 38219857, PreventionGenetics internal data). This variant is present in 0.045% of alleles in individuals of European (Non-Finnish) descent in gnomAD. Given all the evidence, we interpret this variant as pathogenic.

Labcorp Genetics (formerly Invitae), Labcorp
Classification: Pathogenic. Last evaluated: 2026-02-01. Review status: criteria provided, single submitter. Criteria: Invitae Variant Classification Sherloc (09022015). Collection method: clinical testing. Allele origin: germline. Not counted in ClinVar's aggregate classification.
Comment: This sequence change falls in intron 38 of the ABCA4 gene. It does not directly change the encoded amino acid sequence of the ABCA4 protein. RNA analysis indicates that this variant induces altered splicing and may result in an absent or altered protein product. This variant is present in population databases (rs1800728, gnomAD 0.05%). This variant has been observed in individuals with Stargardt disease (PMID: 10958763, 22328824, 23443024, 23695285, 29310964). It has also been observed to segregate with disease in related individuals. This variant is also known as IVS38-10T>C. ClinVar contains an entry for this variant (Variation ID: 92870). Studies have shown that this variant alters mRNA splicing and is expected to lead to the loss of protein expression (PMID: 26976702, 27775217, 29461686). For these reasons, this variant has been classified as Pathogenic.

3billion
Classification: Pathogenic for ABCA4-related disorder. Last evaluated: 2026-01-13. Review status: criteria provided, single submitter. Criteria: ACMG Guidelines, 2015. Collection method: clinical testing. Allele origin: germline. Affected: yes. Not counted in ClinVar's aggregate classification.
Comment: The variant is observed at an extremely low frequency in the gnomAD v4.1.0 dataset (total allele frequency: 0.053%). Predicted Consequence/Location: Intron variant Functional studies provide moderate evidence of the variant having a damaging effect on the gene or gene product (PMID: 29461686). The variant has been reported to be in trans with a pathogenic variant as either compound heterozygous or homozygous in at least one similarly affected unrelated individual (PMID: 27775217). The variant has been reported at least twice as pathogenic with clinical assertions and evidence for the classification (ClinVar ID: VCV000092870 /PMID: 15614537 /3billion dataset). Therefore, this variant is classified as Pathogenic according to the recommendation of ACMG/AMP guideline.

Institute of Immunology and Genetics Kaiserslautern
Classification: Likely pathogenic for Cone-rod dystrophy 3; Severe early-childhood-onset retinal dystrophy; Retinitis pigmentosa 19. Last evaluated: 2025-06-04. Review status: criteria provided, single submitter. Criteria: ACMG Guidelines, 2015. Collection method: clinical testing. Allele origin: germline. Affected: yes. Not counted in ClinVar's aggregate classification.
Comment: ACMG Criteria: PS3, PM2, PM3, PP5; Variant was found in homozygous state.

Revvity Omics, Revvity
Classification: Pathogenic. Last evaluated: 2024-12-18. Review status: criteria provided, single submitter. Criteria: ACMG Guidelines, 2015. Collection method: clinical testing. Allele origin: germline. Not counted in ClinVar's aggregate classification.

Ambry Genetics
Classification: Pathogenic for Inborn genetic diseases. Last evaluated: 2024-11-01. Review status: criteria provided, single submitter. Criteria: Ambry Variant Classification Scheme 2023. Collection method: clinical testing. Allele origin: germline. Not counted in ClinVar's aggregate classification.
Comment: The c.5461-10T>C intronic alteration results from a T to C substitution 10 nucleotides before coding exon 39 of the ABCA4 gene. Based on data from gnomAD, the C allele has an overall frequency of 0.022% (62/282194) total alleles studied. The highest observed frequency was 0.045% (58/128638) of European (non-Finnish) alleles. This variant has been identified in the homozygous state and in conjunction with other ABCA4 variants in individuals with Stargardt disease and/or clinical features consistent with ABCA4-related retinal dystrophy (Jonsson, 2013; Heathfield, 2013; Sangermano, 2016; Stone, 2017; Khan, 2018; Fujinami, 2019; Pfau, 2022). This nucleotide position is highly conserved in available vertebrate species. A functional study demonstrates this variant results in exon skipping (Sangermano, 2016). In silico splice site analysis predicts that this alteration will not have any significant effect on splicing. Based on the available evidence, this alteration is classified as pathogenic.